The following is an entry in ClinVar:

ClinVar aggregate classification (germline): Uncertain significance (1 of 4 stars; one submission).

Conditions:
Mitochondrial complex III deficiency nuclear type 8. Identifiers: MedGen C4014440, MONDO:0014364, OMIM 615838.

Submission:

3billion
Classification: Uncertain significance for Mitochondrial complex III deficiency nuclear type 8. Last evaluated: 2022-05-22. Review status: criteria provided, single submitter. Criteria: ACMG Guidelines, 2015. Collection method: clinical testing. Allele origin: germline. Affected: yes. Observed: 1 homozygote.
Comment: The variant is not observed in the gnomAD v2.1.1 dataset. In silico tool predictions suggest damaging effect of the variant on gene or gene product (REVEL: 0.74; 3Cnet: 0.19). Therefore, this variant is classified as uncertain significanceaccording to the recommendation of ACMG/AMP guideline.

NM_181705.4(LYRM7):c.120C>A (p.Phe40Leu)

Gene: LYRM7 (LYR motif containing 7; plus strand). Cytogenetic location: 5q23.3.
Variant type: single nucleotide variant.
Coding change: c.120C>A on transcript NM_181705.4 (MANE Select); coding-DNA position 120, C replaced by A.
Protein change: p.Phe40Leu; replaces phenylalanine 40 with leucine.
Molecular consequence: missense variant.
Genome position (GRCh38, 1-based): chr5:131,182,257, C>A. VCF-style: chr5-131182257-C-A. GRCh37 (hg19) VCF-style: chr5-130517950-C-A.
Other names: c.120C>A, p.Phe40Leu (NM_001293735.2); short protein forms F40L.
Identifiers: ClinVar variation 1687220 (VCV001687220.1), dbSNP rs2149661849, ClinGen allele CA360839509.